The following is an entry in ClinVar:

NM_005529.7(HSPG2):c.4980C>A (p.Asn1660Lys)

Gene: HSPG2 (heparan sulfate proteoglycan 2; minus strand). Cytogenetic location: 1p36.12.
Variant type: single nucleotide variant.
Coding change: c.4980C>A on transcript NM_005529.7 (MANE Select); coding-DNA position 4980, C replaced by A.
Protein change: p.Asn1660Lys; replaces asparagine 1660 with lysine.
Molecular consequence: missense variant.
Genome position (GRCh38, 1-based): chr1:21,860,211, G>T on the plus strand (C>A on the coding strand, the complement: HSPG2 is on the minus strand). VCF-style: chr1-21860211-G-T. GRCh37 (hg19) VCF-style: chr1-22186704-G-T.
Other names: c.4983C>A, p.Asn1661Lys (NM_001291860.2); short protein forms N1660K, N1661K.
Identifiers: ClinVar variation 993578 (VCV000993578.8), dbSNP rs1327410425, ClinGen allele CA338948252.

ClinVar aggregate classification (germline): Uncertain significance (1 of 4 stars; one submission).

Allele frequency attached by ClinVar (database versions not stated): gnomAD exomes below 0.00001 and 0.00001; TOPMed below 0.00001.

Submission:

ARUP Laboratories, Molecular Genetics and Genomics, ARUP Laboratories
Classification: Uncertain significance. Last evaluated: 2020-08-04. Review status: criteria provided, single submitter. Criteria: ARUP Molecular Germline Variant Investigation Process. Collection method: clinical testing. Allele origin: germline.
Comment: The HSPG2 c.4980C>A; p.Asn1660Lys variant (rs1327410425), to our knowledge, is not reported in the medical literature or gene specific databases. This variant is only observed on one allele in the Genome Aggregation Database, indicating it is not a common polymorphism. The asparagine at codon 1660 is weakly conserved, and computational analyses (SIFT: damaging, PolyPhen-2: benign) predict conflicting effects of this variant on protein structure/function. Due to limited information, the clinical significance of the p.Asn1660Lys variant is uncertain at this time.